The following is an entry in ClinVar:

ClinVar aggregate classification (germline): Uncertain significance (1 of 4 stars; one submission).

Submission:

Ambry Genetics
Classification: Uncertain significance. Last evaluated: 2024-12-29. Review status: criteria provided, single submitter. Criteria: Ambry Variant Classification Scheme 2023. Collection method: clinical testing. Allele origin: germline.
Comment: The p.E6A variant (also known as c.17A>C), located in coding exon 1 of the RINT1 gene, results from an A to C substitution at nucleotide position 17. The glutamic acid at codon 6 is replaced by alanine, an amino acid with dissimilar properties. This amino acid position is conserved. In addition, this alteration is predicted to be tolerated by in silico analysis. Since supporting evidence is limited at this time, the clinical significance of this alteration remains unclear.

NM_021930.6(RINT1):c.17A>C (p.Glu6Ala)

Gene: RINT1 (RAD50 interactor 1; plus strand). Cytogenetic location: 7q22.3.
Variant type: single nucleotide variant.
Coding change: c.17A>C on transcript NM_021930.6 (MANE Select); coding-DNA position 17, A replaced by C.
Protein change: p.Glu6Ala; replaces glutamic acid 6 with alanine.
Molecular consequence: missense variant. On other transcripts: 5 prime UTR variant (4), non-coding transcript variant (1).
Genome position (GRCh38, 1-based): chr7:105,532,332, A>C. VCF-style: chr7-105532332-A-C. GRCh37 (hg19) VCF-style: chr7-105172779-A-C.
Other names: c.-81A>C (NM_001346599.2); c.-1003A>C (NM_001346600.2); c.-906A>C (NM_001346601.2); c.-526A>C (NM_001346603.2); short protein forms E6A.
Identifiers: ClinVar variation 1780346 (VCV001780346.3), dbSNP rs1159994923, ClinGen allele CA368798976.